The following is an entry in ClinVar:

ClinVar aggregate classification (germline): Uncertain significance (1 of 4 stars; one submission).

Allele frequency attached by ClinVar (database versions not stated): TOPMed 0.00001.

Submission:

Greenwood Genetic Center Diagnostic Laboratories, Greenwood Genetic Center
Classification: Uncertain significance. Last evaluated: 2021-11-24. Review status: criteria provided, single submitter. Criteria: ACMG Guidelines, 2015. Collection method: clinical testing. Allele origin: germline. Affected: yes.
Comment: PM2

NM_006035.4(CDC42BPB):c.3551G>A (p.Gly1184Asp)

Gene: CDC42BPB (CDC42 binding protein kinase beta; minus strand). Cytogenetic location: 14q32.32.
Variant type: single nucleotide variant.
Coding change: c.3551G>A on transcript NM_006035.4 (MANE Select); coding-DNA position 3551, G replaced by A.
Protein change: p.Gly1184Asp; replaces glycine 1184 with aspartic acid.
Molecular consequence: missense variant.
Genome position (GRCh38, 1-based): chr14:102,946,665, C>T on the plus strand (G>A on the coding strand, the complement: CDC42BPB is on the minus strand). VCF-style: chr14-102946665-C-T. GRCh37 (hg19) VCF-style: chr14-103413002-C-T.
Other names: short protein forms G1184D.
Identifiers: ClinVar variation 1334671 (VCV001334671.4), dbSNP rs1892191977, ClinGen allele CA391078040.